The following is an entry in ClinVar:

ClinVar aggregate classification (germline): Likely benign. Review status: criteria provided, multiple submitters, no conflicts (2 of 4 stars). 2 submissions from 2 submitters: Likely benign (2). Last evaluated 2026-08-01.

Allele frequency attached by ClinVar (database versions not stated): 1000 Genomes Project 0.00040; 1000 Genomes Project 30x 0.00078; TOPMed 0.00103; gnomAD 0.00107; ESP Exome Variant Server 0.00119; ExAC 0.00143; gnomAD exomes 0.00203.
gnomAD v4.1: 3,089 of 1,606,888 alleles (0.19%); highest among the groups gnomAD compares: Non-Finnish European, 0.25%; 5 homozygotes.

Submissions (2):

CeGaT Center for Human Genetics Tuebingen
Classification: Likely benign. Last evaluated: 2026-08-01. Review status: criteria provided, single submitter. Criteria: CeGaT Center For Human Genetics Tuebingen Variant Classification Criteria Version 2. Collection method: clinical testing. Allele origin: germline. Affected: yes. Observed: 6 variant alleles.
Comment: ABHD16A: BP4, BP7

Blueprint Genetics
Classification: Likely benign. Last evaluated: 2024-11-22. Review status: criteria provided, single submitter. Criteria: ACMG Guidelines, 2015. Collection method: clinical testing. Allele origin: germline.

NM_021160.3(ABHD16A):c.639G>A (p.Ala213=)

Gene: ABHD16A (abhydrolase domain containing 16A, phospholipase; minus strand). Cytogenetic location: 6p21.33.
Variant type: single nucleotide variant.
Coding change: c.639G>A on transcript NM_021160.3 (MANE Select); coding-DNA position 639, G replaced by A.
Protein change: p.Ala213=; no amino-acid change (alanine 213 retained).
Molecular consequence: synonymous variant. On other transcripts: non-coding transcript variant (2).
Genome position (GRCh38, 1-based): chr6:31,691,906, C>T on the plus strand (G>A on the coding strand, the complement: ABHD16A is on the minus strand). VCF-style: chr6-31691906-C-T. GRCh37 (hg19) VCF-style: chr6-31659683-C-T.
Other names: c.540G>A, p.Ala180= (NM_001177515.2).
Identifiers: ClinVar variation 3239034 (VCV003239034.20), dbSNP rs148605141.